The following is an entry in ClinVar:

NM_033004.4(NLRP1):c.1159G>T (p.Asp387Tyr)

Gene: NLRP1 (NLR family pyrin domain containing 1; minus strand). Cytogenetic location: 17p13.2.
Variant type: single nucleotide variant.
Coding change: c.1159G>T on transcript NM_033004.4 (MANE Select); coding-DNA position 1159, G replaced by T.
Protein change: p.Asp387Tyr; replaces aspartic acid 387 with tyrosine.
Molecular consequence: missense variant.
Genome position (GRCh38, 1-based): chr17:5,559,537, C>A on the plus strand (G>T on the coding strand, the complement: NLRP1 is on the minus strand). VCF-style: chr17-5559537-C-A. GRCh37 (hg19) VCF-style: chr17-5462857-C-A.
Other names: c.1159G>T, p.Asp387Tyr (NM_001033053.3, NM_014922.5, NM_033006.4 and 1 more transcripts); short protein forms D387Y.
Identifiers: ClinVar variation 1982666 (VCV001982666.4), dbSNP rs1030907263, ClinGen allele CA287268664.

ClinVar aggregate classification (germline): Uncertain significance (1 of 4 stars; one submission).

Allele frequency attached by ClinVar (database versions not stated): gnomAD 0.00001; TOPMed 0.00001.
gnomAD v4.1: 2 of 1,614,062 alleles (0.00012%); highest among the groups gnomAD compares: Admixed American, 0.0017%; no homozygotes.

Submission:

Labcorp Genetics (formerly Invitae), Labcorp
Classification: Uncertain significance. Last evaluated: 2022-03-12. Review status: criteria provided, single submitter. Criteria: Invitae Variant Classification Sherloc (09022015). Collection method: clinical testing. Allele origin: germline.
Comment: In summary, the available evidence is currently insufficient to determine the role of this variant in disease. Therefore, it has been classified as a Variant of Uncertain Significance. Algorithms developed to predict the effect of missense changes on protein structure and function output the following: SIFT: "Tolerated"; PolyPhen-2: "Possibly Damaging"; Align-GVGD: "Class C15". The tyrosine amino acid residue is found in multiple mammalian species, which suggests that this missense change does not adversely affect protein function. This variant has not been reported in the literature in individuals affected with NLRP1-related conditions. This variant is present in population databases (no rsID available, gnomAD 0.003%). This sequence change replaces aspartic acid, which is acidic and polar, with tyrosine, which is neutral and polar, at codon 387 of the NLRP1 protein (p.Asp387Tyr).